The following is an entry in ClinVar:

NM_020366.4(RPGRIP1):c.1621G>T (p.Glu541Ter)

Gene: RPGRIP1 (RPGR interacting protein 1; plus strand). Cytogenetic location: 14q11.2.
Variant type: single nucleotide variant.
Coding change: c.1621G>T on transcript NM_020366.4 (MANE Select); coding-DNA position 1621, G replaced by T.
Protein change: p.Glu541Ter; replaces glutamic acid 541 with a stop codon.
Molecular consequence: nonsense.
Genome position (GRCh38, 1-based): chr14:21,321,863, G>T. VCF-style: chr14-21321863-G-T. GRCh37 (hg19) VCF-style: chr14-21790022-G-T.
Other names: c.547G>T, p.Glu183Ter (NM_001377523.1, NM_001377948.1, NM_001377949.1 and 1 more transcripts); c.49G>T, p.Glu17Ter (NM_001377951.1); short protein forms E17*, E183*, E541*.
Identifiers: ClinVar variation 2582917 (VCV002582917.25), dbSNP rs2502788956, ClinGen allele CA388865616.

ClinVar aggregate classification (germline): Pathogenic (1 of 4 stars; one submission).

Submission:

CeGaT Center for Human Genetics Tuebingen
Classification: Pathogenic. Last evaluated: 2023-09-01. Review status: criteria provided, single submitter. Criteria: CeGaT Center For Human Genetics Tuebingen Variant Classification Criteria Version 2. Collection method: clinical testing. Allele origin: germline. Affected: yes. Observed: 1 variant allele.
Comment: RPGRIP1: PVS1, PM2